The following is an entry in ClinVar:

NM_001166108.2(PALLD):c.1965-12990C>A

Gene: PALLD (palladin, cytoskeletal associated protein; plus strand). Cytogenetic location: 4q32.3.
Variant type: single nucleotide variant.
Coding change: c.1965-12990C>A on transcript NM_001166108.2 (MANE Select); 12990 bases into the intron before coding-DNA position 1965, C replaced by A.
Molecular consequence: intron variant. On other transcripts: missense variant (1).
Genome position (GRCh38, 1-based): chr4:168,877,932, C>A. VCF-style: chr4-168877932-C-A. GRCh37 (hg19) VCF-style: chr4-169799083-C-A.
Other names: c.41C>A, p.Ser14Tyr (NM_001166110.2); c.1965-12990C>A (NM_016081.4); c.819-12990C>A (NM_001166109.2); c.-157-12990C>A (NM_001367570.1, NM_001367568.1, NM_001367567.1 and 1 more transcripts); short protein forms S14Y.
Identifiers: ClinVar variation 580026 (VCV000580026.8), dbSNP rs864622627, ClinGen allele CA358794763.

ClinVar aggregate classification (germline): Uncertain significance (1 of 4 stars; one submission).

Conditions:
Pancreatic adenocarcinoma. Identifiers: MedGen C0281361, MONDO:0006047, HP:0006725.

Allele frequency attached by ClinVar (database versions not stated): gnomAD exomes below 0.00001.
gnomAD v4.1: 1 of 1,497,858 alleles (0.000067%); highest among the groups gnomAD compares: South Asian, 0.0012%; no homozygotes.

Submission:

Labcorp Genetics (formerly Invitae), Labcorp
Classification: Uncertain significance for Pancreatic adenocarcinoma. Last evaluated: 2024-03-06. Review status: criteria provided, single submitter. Criteria: Invitae Variant Classification Sherloc (09022015). Collection method: clinical testing. Allele origin: germline.
Comment: This sequence change replaces serine, which is neutral and polar, with tyrosine, which is neutral and polar, at codon 14 of the PALLD protein (p.Ser14Tyr). This variant is not present in population databases (gnomAD no frequency). This variant has not been reported in the literature in individuals affected with PALLD-related conditions. ClinVar contains an entry for this variant (Variation ID: 580026). An algorithm developed to predict the effect of missense changes on protein structure and function (PolyPhen-2) suggests that this variant is likely to be tolerated. In summary, the available evidence is currently insufficient to determine the role of this variant in disease. Therefore, it has been classified as a Variant of Uncertain Significance.